The following is an entry in ClinVar:

ClinVar aggregate classification (germline): Uncertain significance. Review status: criteria provided, multiple submitters, no conflicts (2 of 4 stars). 2 submissions from 2 submitters: Uncertain significance (2). Last evaluated 2024-03-20.

Conditions:
Chromosome 2q32-q33 deletion syndrome (GLASS). Also called: Glass syndrome; 2q33.1 deletion syndrome. Identifiers: Orphanet 251019, MedGen C2676739, MONDO:0012864, OMIM 612313.
Inborn genetic diseases. Identifiers: MedGen C0950123, MeSH D030342.

Submissions (2):

Labcorp Genetics (formerly Invitae), Labcorp
Classification: Uncertain significance for Chromosome 2q32-q33 deletion syndrome. Last evaluated: 2024-03-20. Review status: criteria provided, single submitter. Criteria: Invitae Variant Classification Sherloc (09022015). Collection method: clinical testing. Allele origin: germline.
Comment: This sequence change replaces valine, which is neutral and non-polar, with methionine, which is neutral and non-polar, at codon 55 of the SATB2 protein (p.Val55Met). This variant is not present in population databases (gnomAD no frequency). This variant has not been reported in the literature in individuals affected with SATB2-related conditions. ClinVar contains an entry for this variant (Variation ID: 2247391). Advanced modeling of protein sequence and biophysical properties (such as structural, functional, and spatial information, amino acid conservation, physicochemical variation, residue mobility, and thermodynamic stability) performed at Invitae indicates that this missense variant is not expected to disrupt SATB2 protein function with a negative predictive value of 80%. In summary, the available evidence is currently insufficient to determine the role of this variant in disease. Therefore, it has been classified as a Variant of Uncertain Significance.

Ambry Genetics
Classification: Uncertain significance for Inborn genetic diseases. Last evaluated: 2021-08-30. Review status: criteria provided, single submitter. Criteria: Ambry Variant Classification Scheme 2023. Collection method: clinical testing. Allele origin: germline.

NM_001172509.2(SATB2):c.163G>A (p.Val55Met)

Gene: SATB2 (SATB homeobox 2; minus strand). Cytogenetic location: 2q33.1.
Variant type: single nucleotide variant.
Coding change: c.163G>A on transcript NM_001172509.2 (MANE Select); coding-DNA position 163, G replaced by A.
Protein change: p.Val55Met; replaces valine 55 with methionine.
Molecular consequence: missense variant. On other transcripts: non-coding transcript variant (1).
Genome position (GRCh38, 1-based): chr2:199,455,875, C>T on the plus strand (G>A on the coding strand, the complement: SATB2 is on the minus strand). VCF-style: chr2-199455875-C-T. GRCh37 (hg19) VCF-style: chr2-200320598-C-T.
Other names: c.163G>A, p.Val55Met (NM_001172517.1, NM_015265.4); short protein forms V55M.
Identifiers: ClinVar variation 2247391 (VCV002247391.4), dbSNP rs748892556, ClinGen allele CA350388351.